The following is an entry in ClinVar:

NM_001365536.1(SCN9A):c.152G>A (p.Ser51Asn)

Gene: SCN9A (sodium voltage-gated channel alpha subunit 9; minus strand). Cytogenetic location: 2q24.3.
Variant type: single nucleotide variant.
Coding change: c.152G>A on transcript NM_001365536.1 (MANE Select); coding-DNA position 152, G replaced by A.
Protein change: p.Ser51Asn; replaces serine 51 with asparagine.
Molecular consequence: missense variant.
Genome position (GRCh38, 1-based): chr2:166,311,605, C>T on the plus strand (G>A on the coding strand, the complement: SCN9A is on the minus strand). VCF-style: chr2-166311605-C-T. GRCh37 (hg19) VCF-style: chr2-167168115-C-T.
Other names: c.152G>A, p.Ser51Asn (NM_002977.4); short protein forms S51N.
Identifiers: ClinVar variation 4783445 (VCV004783445.1).

ClinVar aggregate classification (germline): Uncertain significance (1 of 4 stars; one submission).

Conditions:
Neuropathy, hereditary sensory and autonomic, type 2A (HSAN2A). Also called: ACROOSTEOLYSIS, GIACCAI TYPE; ACROOSTEOLYSIS, NEUROGENIC; WNK1-Related HSAN2 (HSAN2A); NEUROPATHY, HEREDITARY SENSORY RADICULAR, AUTOSOMAL RECESSIVE; MORVAN DISEASE; NEUROPATHY, CONGENITAL SENSORY. Identifiers: Orphanet 970, MedGen C2752089, MONDO:0024309, OMIM 201300.
Generalized epilepsy with febrile seizures plus, type 7 (GEFSP7). Also called: GEFS+, TYPE 7. Identifiers: Orphanet 36387, MedGen C2751778, MONDO:0013470, OMIM 613863.

Submission:

Labcorp Genetics (formerly Invitae), Labcorp
Classification: Uncertain significance for Neuropathy, hereditary sensory and autonomic, type 2A; Generalized epilepsy with febrile seizures plus, type 7. Last evaluated: 2025-07-22. Review status: criteria provided, single submitter. Criteria: Invitae Variant Classification Sherloc (09022015). Collection method: clinical testing. Allele origin: germline.
Comment: This sequence change replaces serine, which is neutral and polar, with asparagine, which is neutral and polar, at codon 51 of the SCN9A protein (p.Ser51Asn). This variant is not present in population databases (gnomAD no frequency). This variant has not been reported in the literature in individuals affected with SCN9A-related conditions. Invitae Evidence Modeling of protein sequence and biophysical properties (such as structural, functional, and spatial information, amino acid conservation, physicochemical variation, residue mobility, and thermodynamic stability) indicates that this missense variant is not expected to disrupt SCN9A protein function with a negative predictive value of 95%. In summary, the available evidence is currently insufficient to determine the role of this variant in disease. Therefore, it has been classified as a Variant of Uncertain Significance.